The following is an entry in ClinVar:

ClinVar aggregate classification (germline): Likely benign. Review status: criteria provided, multiple submitters, no conflicts (2 of 4 stars). 3 submissions from 3 submitters: Likely benign (3). Last evaluated 2025-10-25.

Conditions:
Dilated cardiomyopathy 1JJ (CMD1JJ). Identifiers: Orphanet 154, MedGen C3808935, MONDO:0014095, OMIM 615235.
Cardiovascular phenotype. Identifiers: MedGen CN230736.

Submissions (3):

Ambry Genetics
Classification: Likely benign for Cardiovascular phenotype. Last evaluated: 2025-10-25. Review status: criteria provided, single submitter. Criteria: Ambry Variant Classification Scheme 2023. Collection method: clinical testing. Allele origin: germline.

Labcorp Genetics (formerly Invitae), Labcorp
Classification: Likely benign for Dilated cardiomyopathy 1JJ. Last evaluated: 2023-01-15. Review status: criteria provided, single submitter. Criteria: Invitae Variant Classification Sherloc (09022015). Collection method: clinical testing. Allele origin: germline.

GeneDx
Classification: Likely benign. Last evaluated: 2017-04-11. Review status: criteria provided, single submitter. Criteria: GeneDx Variant Classification (06012015). Collection method: clinical testing. Allele origin: germline. Affected: yes.
Comment: This variant is considered likely benign or benign based on one or more of the following criteria: it is a conservative change, it occurs at a poorly conserved position in the protein, it is predicted to be benign by multiple in silico algorithms, and/or has population frequency not consistent with disease.

NM_001105206.3(LAMA4):c.1761C>T (p.Val587=)

Gene: LAMA4 (laminin subunit alpha 4; minus strand). Cytogenetic location: 6q21.
Variant type: single nucleotide variant.
Coding change: c.1761C>T on transcript NM_001105206.3 (MANE Select); coding-DNA position 1761, C replaced by T.
Protein change: p.Val587=; no amino-acid change (valine 587 retained).
Molecular consequence: synonymous variant.
Genome position (GRCh38, 1-based): chr6:112,158,788, G>A on the plus strand (C>T on the coding strand, the complement: LAMA4 is on the minus strand). VCF-style: chr6-112158788-G-A. GRCh37 (hg19) VCF-style: chr6-112479990-G-A.
Other names: c.1740C>T (LRG_433t2); c.1740C>T, p.Val580= (NM_001105207.3, NM_002290.5).
Identifiers: ClinVar variation 508852 (VCV000508852.10), dbSNP rs1554337616, ClinGen allele CA451589438.
Genomic context (GRCh38, chr6:112,158,788, plus strand): 5'-TTACCTGCTCAATTCATTAGCTTCTTGTTGAAGGTCCTGTGCATGGTCAATAGCTTCTTG[G>A]ACTAAATCATGGCTGAGGTTACTTAGGTTAGATAGTTTTACTTGTAGTTCACTTTTGGCT-3'
Protein context (NP_001098676.2, residues 577-597): SNLSNLSHDL[Val587=]QEAIDHAQDL